The following is an entry in ClinVar:

NM_000395.3(CSF2RB):c.1314G>A (p.Ser438=)

Gene: CSF2RB (colony stimulating factor 2 receptor subunit beta; plus strand). Cytogenetic location: 22q12.3.
Variant type: single nucleotide variant.
Coding change: c.1314G>A on transcript NM_000395.3 (MANE Select); coding-DNA position 1314, G replaced by A.
Protein change: p.Ser438=; no amino-acid change (serine 438 retained).
Molecular consequence: synonymous variant.
Genome position (GRCh38, 1-based): chr22:36,933,993, G>A. VCF-style: chr22-36933993-G-A. GRCh37 (hg19) VCF-style: chr22-37330035-G-A.
Identifiers: ClinVar variation 1449081 (VCV001449081.9), dbSNP rs772189360, ClinGen allele CA10213777.

ClinVar aggregate classification (germline): Uncertain significance (1 of 4 stars; one submission).

Allele frequency attached by ClinVar (database versions not stated): ExAC 0.00001.
gnomAD v4.1: 67 of 1,612,032 alleles (0.0042%); highest among the groups gnomAD compares: Non-Finnish European, 0.0051%; no homozygotes.

Submission:

Labcorp Genetics (formerly Invitae), Labcorp
Classification: Uncertain significance. Last evaluated: 2025-10-07. Review status: criteria provided, single submitter. Criteria: Invitae Variant Classification Sherloc (09022015). Collection method: clinical testing. Allele origin: germline.
Comment: This sequence change affects codon 438 of the CSF2RB mRNA. It is a 'silent' change, meaning that it does not change the encoded amino acid sequence of the CSF2RB protein. It affects a nucleotide within the consensus splice site. This variant is present in population databases (rs772189360, gnomAD 0.003%). This variant has not been reported in the literature in individuals affected with CSF2RB-related conditions. ClinVar contains an entry for this variant (Variation ID: 1449081). Algorithms developed to predict the effect of sequence changes on RNA splicing suggest that this variant is not likely to affect RNA splicing. In summary, the available evidence is currently insufficient to determine the role of this variant in disease. Therefore, it has been classified as a Variant of Uncertain Significance.